The following is an entry in ClinVar:

NM_014915.3(ANKRD26):c.1169T>G (p.Leu390Trp)

Gene: ANKRD26 (ankyrin repeat domain 26; minus strand). Cytogenetic location: 10p12.1.
Variant type: single nucleotide variant.
Coding change: c.1169T>G on transcript NM_014915.3 (MANE Select); coding-DNA position 1169, T replaced by G.
Protein change: p.Leu390Trp; replaces leucine 390 with tryptophan.
Molecular consequence: missense variant.
Genome position (GRCh38, 1-based): chr10:27,067,195, A>C on the plus strand (T>G on the coding strand, the complement: ANKRD26 is on the minus strand). VCF-style: chr10-27067195-A-C. GRCh37 (hg19) VCF-style: chr10-27356124-A-C.
Other names: c.1169T>G, p.Leu390Trp (NM_001256053.2); short protein forms L390W.
Identifiers: ClinVar variation 4845151 (VCV004845151.1).
Genomic context (GRCh38, chr10:27,067,195, plus strand): 5'-TCAGAGATATCCACTAACTTACCACTTCTATTATTTTTGTGCACTTCATCAACATAAGTC[A>C]AATTGTCATTATTTGTTTGCTCTAGTGGAGCACTTTCAATAATATCAATACCATTTTCTT-3'
Protein context (NP_055730.2, residues 380-400): APLEQTNNDN[Leu390Trp]TYVDEVHKNN

ClinVar aggregate classification (germline): Uncertain significance (1 of 4 stars; one submission).

Conditions:
Inborn genetic diseases. Identifiers: MedGen C0950123, MeSH D030342.

Submission:

Ambry Genetics
Classification: Uncertain significance for Inborn genetic diseases. Last evaluated: 2026-02-17. Review status: criteria provided, single submitter. Criteria: Ambry Variant Classification Scheme 2023. Collection method: clinical testing. Allele origin: germline.
Comment: The p.L390W variant (also known as c.1169T>G), located in coding exon 10 of the ANKRD26 gene, results from a T to G substitution at nucleotide position 1169. The leucine at codon 390 is replaced by tryptophan, an amino acid with similar properties. This amino acid position is conserved. In addition, this alteration is predicted to be tolerated by in silico analysis. Based on the available evidence, the clinical significance of this variant remains unclear.